The following is an entry in ClinVar:

ClinVar aggregate classification (germline): Pathogenic (1 of 4 stars; one submission).

Conditions:
Combined immunodeficiency due to STK4 deficiency (IMD110). Also called: T-cell immunodeficiency, recurrent infections, and autoimmunity with or without cardiac malformations; STK4 DEFICIENCY; MST1 DEFICIENCY. Identifiers: Orphanet 314689, MedGen C3553943, MONDO:0013934, OMIM 614868.

Allele frequency attached by ClinVar (database versions not stated): ExAC 0.00003; TOPMed 0.00001; ESP Exome Variant Server 0.00008.

Submission:

Labcorp Genetics (formerly Invitae), Labcorp
Classification: Pathogenic for Combined immunodeficiency due to STK4 deficiency. Last evaluated: 2025-10-05. Review status: criteria provided, single submitter. Criteria: Invitae Variant Classification Sherloc (09022015). Collection method: clinical testing. Allele origin: germline.
Comment: This sequence change creates a premature translational stop signal (p.Arg291*) in the STK4 gene. It is expected to result in an absent or disrupted protein product. Loss-of-function variants in STK4 are known to be pathogenic (PMID: 22174160). This variant is present in population databases (rs148138374, gnomAD 0.003%). This premature translational stop signal has been observed in individual(s) with clinical features of STK4-related conditions (PMID: 34427831). ClinVar contains an entry for this variant (Variation ID: 2727529). For these reasons, this variant has been classified as Pathogenic.

Literature cited by the submitters: PubMed 22174160; PubMed 34427831.

NM_006282.5(STK4):c.871C>T (p.Arg291Ter)

Gene: STK4 (serine/threonine kinase 4; plus strand). Cytogenetic location: 20q13.12.
Variant type: single nucleotide variant.
Coding change: c.871C>T on transcript NM_006282.5 (MANE Select); coding-DNA position 871, C replaced by T.
Protein change: p.Arg291Ter; replaces arginine 291 with a stop codon.
Molecular consequence: nonsense.
Genome position (GRCh38, 1-based): chr20:45,000,431, C>T. VCF-style: chr20-45000431-C-T. GRCh37 (hg19) VCF-style: chr20-43629072-C-T.
Other names: c.871C>T, p.Arg291Ter (NM_001352385.2); short protein forms R291*.
Identifiers: ClinVar variation 2727529 (VCV002727529.3), dbSNP rs148138374, ClinGen allele CA9873918.